The following is an entry in ClinVar:

NM_000465.4(BARD1):c.1569-1G>A

Gene: BARD1 (BRCA1 associated RING domain 1; minus strand). Cytogenetic location: 2q35.
Variant type: single nucleotide variant.
Coding change: c.1569-1G>A on transcript NM_000465.4 (MANE Select); the canonical splice acceptor site of the intron before coding-DNA position 1569, G replaced by A.
Molecular consequence: splice acceptor variant. On other transcripts: intron variant (1).
Genome position (GRCh38, 1-based): chr2:214,752,556, C>T on the plus strand (G>A on the coding strand, the complement: BARD1 is on the minus strand). VCF-style: chr2-214752556-C-T. GRCh37 (hg19) VCF-style: chr2-215617280-C-T.
Other names: c.159-1G>A (NM_001282548.2); c.1512-1G>A (NM_001282543.2); c.216-1G>A (NM_001282545.2); c.365-22048G>A (NM_001282549.2).
Identifiers: ClinVar variation 819539 (VCV000819539.12), dbSNP rs1574756672, ClinGen allele CA350455076.
Genomic context (GRCh38, chr2:214,752,556, plus strand): 5'-AATAGCGATTTCATACTTTCATCATCTGTATAATCGACAGGCCGCAGACCAAATATATTA[C>T]TGGTAAAATAAGTGCAGATGTGTTTAAGTAAGTCAAATGTGTGACTCGACTCAATTTTTC-3'

ClinVar aggregate classification (germline): Likely pathogenic. Review status: criteria provided, multiple submitters, no conflicts (2 of 4 stars). 3 submissions from 3 submitters: Likely pathogenic (3). Last evaluated 2026-04-20.

Conditions:
Hereditary cancer-predisposing syndrome. Also called: Neoplastic Syndromes, Hereditary; Hereditary neoplastic syndrome; Hereditary Cancer Syndrome; Tumor predisposition. Identifiers: Orphanet 140162, MedGen C0027672, MeSH D009386, MONDO:0015356.
Familial cancer of breast. Also called: BREAST CANCER, FAMILIAL; Hereditary breast cancer; hereditary breast carcinoma. Identifiers: Orphanet 227535, MedGen C0346153, MONDO:0016419, OMIM 114480. Disease mechanism: loss of function.

Submissions (3):

Ambry Genetics
Classification: Likely pathogenic for Hereditary cancer-predisposing syndrome. Last evaluated: 2026-04-20. Review status: criteria provided, single submitter. Criteria: Ambry Variant Classification Scheme 2023. Collection method: clinical testing. Allele origin: germline.
Comment: The c.1569-1G>A intronic variant results from a G to A substitution one nucleotide upstream from coding exon 7 of the BARD1 gene. This nucleotide position is highly conserved in available vertebrate species. In silico splice site analysis predicts that this alteration will weaken the native splice acceptor site and may result in the creation or strengthening of a novel splice acceptor site; however, direct evidence is insufficient at this time (Ambry internal data). This variant is considered to be rare based on population cohorts in the Genome Aggregation Database (gnomAD). Alterations that disrupt the canonical splice site are expected to cause aberrant splicing, resulting in an abnormal protein or a transcript that is subject to nonsense-mediated mRNA decay. As such, this alteration is classified as likely pathogenic.

Myriad Genetics, Inc.
Classification: Likely pathogenic for Familial cancer of breast. Last evaluated: 2023-05-23. Review status: criteria provided, single submitter. Criteria: Myriad Autosomal Dominant, Autosomal Recessive and X-Linked Classification Criteria (2023). Collection method: clinical testing. Allele origin: unknown.
Comment: This variant is considered likely pathogenic. This variant occurs within a consensus splice junction and is predicted to result in abnormal mRNA splicing of either an out-of-frame exon or an in-frame exon necessary for protein stability and/or normal function.

Labcorp Genetics (formerly Invitae), Labcorp
Classification: Likely pathogenic for Familial cancer of breast. Last evaluated: 2022-08-08. Review status: criteria provided, single submitter. Criteria: Invitae Variant Classification Sherloc (09022015). Collection method: clinical testing. Allele origin: germline.
Comment: This sequence change affects an acceptor splice site in intron 6 of the BARD1 gene. It is expected to disrupt RNA splicing. Variants that disrupt the donor or acceptor splice site typically lead to a loss of protein function (PMID: 16199547), and loss-of-function variants in BARD1 are known to be pathogenic (PMID: 20077502, 21344236). This variant is not present in population databases (gnomAD no frequency). This variant has not been reported in the literature in individuals affected with BARD1-related conditions. ClinVar contains an entry for this variant (Variation ID: 819539). Algorithms developed to predict the effect of sequence changes on RNA splicing suggest that this variant may disrupt the consensus splice site. In summary, the currently available evidence indicates that the variant is pathogenic, but additional data are needed to prove that conclusively. Therefore, this variant has been classified as Likely Pathogenic.

Literature cited by the submitters: PubMed 16199547 (cited by Labcorp Genetics (formerly Invitae), Labcorp); PubMed 20077502 (cited by Labcorp Genetics (formerly Invitae), Labcorp); PubMed 21344236 (cited by Labcorp Genetics (formerly Invitae), Labcorp).